The following is an entry in ClinVar:

NM_002025.4(AFF2):c.1861G>A (p.Val621Met)

Gene: AFF2 (ALF transcription elongation factor 2; plus strand). Cytogenetic location: Xq28.
Variant type: single nucleotide variant.
Coding change: c.1861G>A on transcript NM_002025.4 (MANE Select); coding-DNA position 1861, G replaced by A.
Protein change: p.Val621Met; replaces valine 621 with methionine.
Molecular consequence: missense variant.
Genome position (GRCh38, 1-based): chrX:148,955,906, G>A. VCF-style: chrX-148955906-G-A. GRCh37 (hg19) VCF-style: chrX-148037436-G-A.
Other names: c.1762G>A, p.Val588Met (NM_001169122.2); c.1831G>A, p.Val611Met (NM_001169123.2); c.1756G>A, p.Val586Met (NM_001169124.2); c.1744G>A, p.Val582Met (NM_001169125.2); c.784G>A, p.Val262Met (NM_001170628.1); c.1861G>A (NM_002025.2); short protein forms V262M, V582M, V586M, V588M, V611M, V621M.
Identifiers: ClinVar variation 2661605 (VCV002661605.25), dbSNP rs782675052, ClinGen allele CA10537071.

ClinVar aggregate classification (germline): Uncertain significance. Review status: criteria provided, multiple submitters, no conflicts (2 of 4 stars). 2 submissions from 2 submitters: Uncertain significance (2). Last evaluated 2024-08-08.

Allele frequency attached by ClinVar (database versions not stated): gnomAD exomes below 0.00001; ExAC 0.00001.
gnomAD v4.1: 1 of 1,211,360 alleles (0.000083%); highest among the groups gnomAD compares: East Asian, 0.003%; no homozygotes.

Submissions (2):

GeneDx
Classification: Uncertain significance. Last evaluated: 2024-08-08. Review status: criteria provided, single submitter. Criteria: GeneDx Variant Classification Process June 2021. Collection method: clinical testing. Allele origin: germline. Affected: yes.
Comment: Not observed at significant frequency in large population cohorts (gnomAD); In silico analysis indicates that this missense variant does not alter protein structure/function; Has not been previously published as pathogenic or benign to our knowledge

CeGaT Center for Human Genetics Tuebingen
Classification: Uncertain significance. Last evaluated: 2022-10-01. Review status: criteria provided, single submitter. Criteria: CeGaT Center For Human Genetics Tuebingen Variant Classification Criteria Version 2. Collection method: clinical testing. Allele origin: germline. Affected: yes. Observed: 1 variant allele.